The following is an entry in ClinVar:

ClinVar aggregate classification (germline): Uncertain significance (1 of 4 stars; one submission).

Conditions:
Alpha thalassemia-X-linked intellectual disability syndrome (ATRX). Also called: ALPHA-THALASSEMIA/MENTAL RETARDATION SYNDROME, X-LINKED; ATR, NONDELETION TYPE; ATR-X syndrome; Alpha thalassemia mental retardation syndrome, nondeletion type, X-linked; XLMR hypotonic face syndrome; X-linked alpha-thalassemia-mental retardation syndrome. Identifiers: Orphanet 847, MedGen C1845055, MONDO:0010519, OMIM 301040.

gnomAD v4.1: 1 of 1,207,855 alleles (0.000083%); highest among the groups gnomAD compares: Non-Finnish European, 0.00011%; no homozygotes.

Submission:

Labcorp Genetics (formerly Invitae), Labcorp
Classification: Uncertain significance for Alpha thalassemia-X-linked intellectual disability syndrome. Last evaluated: 2025-08-20. Review status: criteria provided, single submitter. Criteria: Invitae Variant Classification Sherloc (09022015). Collection method: clinical testing. Allele origin: germline.
Comment: This sequence change replaces glycine, which is neutral and non-polar, with arginine, which is basic and polar, at codon 874 of the ATRX protein (p.Gly874Arg). This variant is not present in population databases (gnomAD no frequency). This variant has not been reported in the literature in individuals affected with ATRX-related conditions. Invitae Evidence Modeling of protein sequence and biophysical properties (such as structural, functional, and spatial information, amino acid conservation, physicochemical variation, residue mobility, and thermodynamic stability) indicates that this missense variant is not expected to disrupt ATRX protein function with a negative predictive value of 95%. In summary, the available evidence is currently insufficient to determine the role of this variant in disease. Therefore, it has been classified as a Variant of Uncertain Significance.

NM_000489.6(ATRX):c.2620G>C (p.Gly874Arg)

Gene: ATRX (ATRX chromatin remodeler; minus strand). Cytogenetic location: Xq21.1.
Variant type: single nucleotide variant.
Coding change: c.2620G>C on transcript NM_000489.6 (MANE Select); coding-DNA position 2620, G replaced by C.
Protein change: p.Gly874Arg; replaces glycine 874 with arginine.
Molecular consequence: missense variant.
Genome position (GRCh38, 1-based): chrX:77,682,636, C>G on the plus strand (G>C on the coding strand, the complement: ATRX is on the minus strand). VCF-style: chrX-77682636-C-G. GRCh37 (hg19) VCF-style: chrX-76938128-C-G.
Other names: c.2506G>C, p.Gly836Arg (NM_138270.5); short protein forms G836R, G874R.
Identifiers: ClinVar variation 4781004 (VCV004781004.1).